The following is an entry in ClinVar:

NM_005591.4(MRE11):c.826C>T (p.Pro276Ser)

Gene: MRE11 (MRE11 double strand break repair nuclease; minus strand). Cytogenetic location: 11q21.
Variant type: single nucleotide variant.
Coding change: c.826C>T on transcript NM_005591.4 (MANE Select); coding-DNA position 826, C replaced by T.
Protein change: p.Pro276Ser; replaces proline 276 with serine.
Molecular consequence: missense variant.
Genome position (GRCh38, 1-based): chr11:94,471,593, G>A on the plus strand (C>T on the coding strand, the complement: MRE11 is on the minus strand). VCF-style: chr11-94471593-G-A. GRCh37 (hg19) VCF-style: chr11-94204759-G-A.
Other names: c.826C>T, p.Pro276Ser (NM_001330347.2, NM_005590.4); short protein forms P276S.
Identifiers: ClinVar variation 142818 (VCV000142818.12), dbSNP rs587782742, ClinGen allele CA333281.

ClinVar aggregate classification (germline): Uncertain significance. Review status: criteria provided, multiple submitters, no conflicts (2 of 4 stars). 3 submissions from 3 submitters: Uncertain significance (3). Last evaluated 2025-11-11.

Conditions:
Ataxia-telangiectasia-like disorder (ATLD). Identifiers: MedGen C1858391, MONDO:0011457.
Hereditary cancer-predisposing syndrome. Also called: Hereditary Cancer Syndrome; Neoplastic Syndromes, Hereditary; Hereditary neoplastic syndrome; Tumor predisposition. Identifiers: Orphanet 140162, MedGen C0027672, MeSH D009386, MONDO:0015356.

Allele frequency attached by ClinVar (database versions not stated): ExAC 0.00001; gnomAD 0.00001; gnomAD exomes 0.00001 and 0.00004; TOPMed 0.00001.
gnomAD v4.1: 60 of 1,612,230 alleles (0.0037%); highest among the groups gnomAD compares: Non-Finnish European, 0.0046%; no homozygotes.

Submissions (3):

Ambry Genetics
Classification: Uncertain significance for Hereditary cancer-predisposing syndrome. Last evaluated: 2025-11-11. Review status: criteria provided, single submitter. Criteria: Ambry Variant Classification Scheme 2023. Collection method: clinical testing. Allele origin: germline.
Comment: The p.P276S variant (also known as c.826C>T), located in coding exon 7 of the MRE11A gene, results from a C to T substitution at nucleotide position 826. The proline at codon 276 is replaced by serine, an amino acid with similar properties. This variant was reported in 1/1824 patients with triple negative breast cancer, who were unselected for family history of breast or ovarian cancer (Couch FJ et al. J. Clin. Oncol. 2015 Feb;33:304-11). This alteration was also reported in a study of 1297 cases of early-onset breast cancer and 1121 controls (Young EL et al. J. Med. Genet. 2016 Jun;53:366-76). This amino acid position is highly conserved in available vertebrate species. In addition, the in silico prediction for this alteration is inconclusive. Since supporting evidence is limited at this time, the clinical significance of this alteration remains unclear.

Labcorp Genetics (formerly Invitae), Labcorp
Classification: Uncertain significance for Ataxia-telangiectasia-like disorder. Last evaluated: 2022-08-07. Review status: criteria provided, single submitter. Criteria: Invitae Variant Classification Sherloc (09022015). Collection method: clinical testing. Allele origin: germline.
Comment: This sequence change replaces proline, which is neutral and non-polar, with serine, which is neutral and polar, at codon 276 of the MRE11 protein (p.Pro276Ser). This variant is present in population databases (rs587782742, gnomAD 0.002%). This missense change has been observed in individual(s) with breast cancer (PMID: 25452441). ClinVar contains an entry for this variant (Variation ID: 142818). Algorithms developed to predict the effect of missense changes on protein structure and function are either unavailable or do not agree on the potential impact of this missense change (SIFT: "Deleterious"; PolyPhen-2: "Benign"; Align-GVGD: "Class C0"). In summary, the available evidence is currently insufficient to determine the role of this variant in disease. Therefore, it has been classified as a Variant of Uncertain Significance.

Athena Diagnostics
Classification: Uncertain significance. Last evaluated: 2019-05-22. Review status: criteria provided, single submitter. Criteria: Athena Diagnostics Criteria. Collection method: clinical testing. Allele origin: germline.

Literature cited by the submitters: PubMed 25452441 (cited by 3 submitters); PubMed 26787654 (cited by Ambry Genetics and Athena Diagnostics).